The following is an entry in ClinVar:

ClinVar aggregate classification (germline): Uncertain significance (1 of 4 stars; one submission).

Conditions:
Hereditary cancer-predisposing syndrome. Also called: Neoplastic Syndromes, Hereditary; Hereditary Cancer Syndrome; Tumor predisposition; Hereditary neoplastic syndrome. Identifiers: Orphanet 140162, MedGen C0027672, MeSH D009386, MONDO:0015356.

Allele frequency attached by ClinVar (database versions not stated): gnomAD exomes below 0.00001.

Submission:

Labcorp Genetics (formerly Invitae), Labcorp
Classification: Uncertain significance for Hereditary cancer-predisposing syndrome. Last evaluated: 2023-09-12. Review status: criteria provided, single submitter. Criteria: Invitae Variant Classification Sherloc (09022015). Collection method: clinical testing. Allele origin: germline.
Comment: This sequence change replaces leucine, which is neutral and non-polar, with phenylalanine, which is neutral and non-polar, at codon 1128 of the RAD50 protein (p.Leu1128Phe). In summary, the available evidence is currently insufficient to determine the role of this variant in disease. Therefore, it has been classified as a Variant of Uncertain Significance. Advanced modeling of protein sequence and biophysical properties (such as structural, functional, and spatial information, amino acid conservation, physicochemical variation, residue mobility, and thermodynamic stability) performed at Invitae indicates that this missense variant is expected to disrupt RAD50 protein function. This variant has not been reported in the literature in individuals affected with RAD50-related conditions. This variant is present in population databases (no rsID available, gnomAD 0.003%).

NM_005732.4(RAD50):c.3382C>T (p.Leu1128Phe)

Gene: RAD50 (RAD50 double strand break repair protein; plus strand). Cytogenetic location: 5q31.1.
Variant type: single nucleotide variant.
Coding change: c.3382C>T on transcript NM_005732.4 (MANE Select); coding-DNA position 3382, C replaced by T.
Protein change: p.Leu1128Phe; replaces leucine 1128 with phenylalanine.
Molecular consequence: missense variant.
Genome position (GRCh38, 1-based): chr5:132,618,287, C>T. VCF-style: chr5-132618287-C-T. GRCh37 (hg19) VCF-style: chr5-131953979-C-T.
Other names: short protein forms L1128F.
Identifiers: ClinVar variation 2753669 (VCV002753669.3), dbSNP rs1561650963, ClinGen allele CA360965057.